The following is an entry in ClinVar:

NM_052947.4(ALPK2):c.4472T>C (p.Ile1491Thr)

Genes: ALPK2 (alpha kinase 2; minus strand), LOC126862764 (BRD4-independent group 4 enhancer GRCh37_chr18:56202574-56203773; plus strand). Cytogenetic location: 18q21.31.
Variant type: single nucleotide variant.
Coding change: c.4472T>C on transcript NM_052947.4 (MANE Select); coding-DNA position 4472, T replaced by C.
Protein change: p.Ile1491Thr; replaces isoleucine 1491 with threonine.
Molecular consequence: missense variant.
Genome position (GRCh38, 1-based): chr18:58,535,715, A>G on the plus strand (T>C on the coding strand, the complement: ALPK2 is on the minus strand). VCF-style: chr18-58535715-A-G. GRCh37 (hg19) VCF-style: chr18-56202947-A-G.
Other names: short protein forms I1491T.
Identifiers: ClinVar variation 1740839 (VCV001740839.2), dbSNP rs2518874677, ClinGen allele CA402562283.

ClinVar aggregate classification (germline): Uncertain significance (1 of 4 stars; one submission).

Allele frequency attached by ClinVar (database versions not stated): gnomAD exomes below 0.00001.
gnomAD v4.1: 2 of 1,614,242 alleles (0.00012%); highest among the groups gnomAD compares: Non-Finnish European, 0.000085%; no homozygotes.

Submission:

Ambry Genetics
Classification: Uncertain significance. Last evaluated: 2024-02-10. Review status: criteria provided, single submitter. Criteria: Ambry Variant Classification Scheme 2023. Collection method: clinical testing. Allele origin: germline.
Comment: The p.I1491T variant (also known as c.4472T>C), located in coding exon 4 of the ALPK2 gene, results from a T to C substitution at nucleotide position 4472. The isoleucine at codon 1491 is replaced by threonine, an amino acid with similar properties. This amino acid position is conserved. In addition, this alteration is predicted to be tolerated by in silico analysis. Since supporting evidence is limited at this time, the clinical significance of this alteration remains unclear.